The following is an entry in ClinVar:

NM_018124.4(RFWD3):c.1786A>G (p.Arg596Gly)

Gene: RFWD3 (ring finger and WD repeat domain 3; minus strand). Cytogenetic location: 16q23.1.
Variant type: single nucleotide variant.
Coding change: c.1786A>G on transcript NM_018124.4 (MANE Select); coding-DNA position 1786, A replaced by G.
Protein change: p.Arg596Gly; replaces arginine 596 with glycine.
Molecular consequence: missense variant.
Genome position (GRCh38, 1-based): chr16:74,628,635, T>C on the plus strand (A>G on the coding strand, the complement: RFWD3 is on the minus strand). VCF-style: chr16-74628635-T-C. GRCh37 (hg19) VCF-style: chr16-74662533-T-C.
Other names: c.1786A>G, p.Arg596Gly (NM_001370534.1, NM_001370535.1); c.1609A>G, p.Arg537Gly (NM_001370536.1); c.952A>G, p.Arg318Gly (NM_001370537.1, NM_001370539.1, NM_001370540.1 and 3 more transcripts); short protein forms R318G, R596G, R537G.
Identifiers: ClinVar variation 1998389 (VCV001998389.4), dbSNP rs983705838, ClinGen allele CA283741035.

ClinVar aggregate classification (germline): Uncertain significance (1 of 4 stars; one submission).

Allele frequency attached by ClinVar (database versions not stated): gnomAD exomes below 0.00001; TOPMed 0.00001; gnomAD 0.00002.
gnomAD v4.1: 8 of 1,614,050 alleles (0.0005%); highest among the groups gnomAD compares: Non-Finnish European, 0.00059%; no homozygotes.

Submission:

Labcorp Genetics (formerly Invitae), Labcorp
Classification: Uncertain significance. Last evaluated: 2022-12-02. Review status: criteria provided, single submitter. Criteria: Invitae Variant Classification Sherloc (09022015). Collection method: clinical testing. Allele origin: germline.
Comment: In summary, the available evidence is currently insufficient to determine the role of this variant in disease. Therefore, it has been classified as a Variant of Uncertain Significance. Algorithms developed to predict the effect of missense changes on protein structure and function (SIFT, PolyPhen-2, Align-GVGD) all suggest that this variant is likely to be tolerated. This variant has not been reported in the literature in individuals affected with RFWD3-related conditions. This variant is present in population databases (no rsID available, gnomAD 0.002%). This sequence change replaces arginine, which is basic and polar, with glycine, which is neutral and non-polar, at codon 596 of the RFWD3 protein (p.Arg596Gly).